The following is an entry in ClinVar:

ClinVar aggregate classification (germline): Pathogenic/Likely pathogenic. Review status: criteria provided, multiple submitters, no conflicts (2 of 4 stars). 15 submissions from 15 submitters: Pathogenic (12); Likely pathogenic (1). 2 of the submissions do not count toward it. Last evaluated 2026-04-27.

Conditions:
DES-related disorders.
DES-related disorder. Also called: DES-related condition.
Cardiovascular phenotype. Identifiers: MedGen CN230736.
Desmin-related myofibrillar myopathy (MFM1). Also called: MYOFIBRILLAR MYOPATHY WITH ARRHYTHMOGENIC RIGHT VENTRICULAR CARDIOMYOPATHY; DESMIN-RELATED MYOPATHY WITH ARRHYTHMOGENIC RIGHT VENTRICULAR CARDIOMYOPATHY; Desmin related myopathy (former name); Desmin storage myopathy (former name); Myofibrillar myopathy 1; Desminopathy. Identifiers: Orphanet 363543, Orphanet 98909, MedGen C1832370, MONDO:0011076, OMIM 601419.
Arrhythmogenic right ventricular cardiomyopathy (ARVD). Also called: Arrhythmogenic Right Ventricular Cardiomyopathy (ARVC); Arrhythmogenic right ventricular dysplasia; Arrhythmogenic cardiomyopathy; Cardiomyopathy, ARVC. Identifiers: Orphanet 247, MedGen C0349788, MeSH D019571, MONDO:0016587. Disease mechanism: loss of function. Inheritance: Various modes of inheritance.
Cardiomyopathy (CMYO). Also called: Cardiomyopathies. Identifiers: Orphanet 167848, MedGen C0878544, MONDO:0004994, HP:0001638. Inheritance: Various modes of inheritance.

Submissions 1 to 11 of 15:

PreventionGenetics, part of Exact Sciences
Classification: Pathogenic for DES-related condition. Last evaluated: 2026-04-27. Review status: criteria provided, single submitter. Criteria: ACMG Guidelines, 2015. Collection method: clinical testing. Allele origin: germline.
Comment: The DES c.1216C>T variant is predicted to result in the amino acid substitution p.Arg406Trp. This variant has been reported, usually arising de novo, in the heterozygous state in individuals with DES-related myopathy (Dalakas et al. 2000. PubMed ID: 10717012; Table S4, Töpf et al. 2020. PubMed ID: 32528171; Oka et al. 2021. PubMed ID: 34712946; Xiao et al. 2024. PubMed ID: 38314304; Geng et al. 2024. PubMed ID: 39501717; Vlaeminck et al. 2025. PubMed ID: 40606663). In vitro experimental studies and mouse models suggest this variant results in impaired filament assembly leading to both myopathy and cardiomyopathy (Joanne et al. 2013. PubMed ID: 23425003; Kubánek et al. 2020. PubMed ID: 32235386; Herrmann et al. 2020. PubMed ID: 33023321). This variant has not been reported in a large population database (gnomAD), indicating this variant is rare and is classified as likely pathogenic or pathogenic in ClinVar (Variation ID: 16826). This variant is interpreted as pathogenic.

Labcorp Genetics (formerly Invitae), Labcorp
Classification: Pathogenic for Desmin-related myofibrillar myopathy. Last evaluated: 2025-12-20. Review status: criteria provided, single submitter. Criteria: Invitae Variant Classification Sherloc (09022015). Collection method: clinical testing. Allele origin: germline.
Comment: This sequence change replaces arginine, which is basic and polar, with tryptophan, which is neutral and slightly polar, at codon 406 of the DES protein (p.Arg406Trp). This variant is not present in population databases (gnomAD no frequency). This missense change has been observed in individual(s) with desmin myopathy (PMID: 10717012, 10905661, 14991347). In at least one individual the variant was observed to be de novo. ClinVar contains an entry for this variant (Variation ID: 16826). Invitae Evidence Modeling of protein sequence and biophysical properties (such as structural, functional, and spatial information, amino acid conservation, physicochemical variation, residue mobility, and thermodynamic stability) indicates that this missense variant is expected to disrupt DES protein function with a positive predictive value of 95%. Experimental studies have shown that this missense change affects DES function (PMID: 21262226, 23425003). For these reasons, this variant has been classified as Pathogenic.

Ambry Genetics
Classification: Pathogenic for Cardiovascular phenotype. Last evaluated: 2025-05-13. Review status: criteria provided, single submitter. Criteria: Ambry Variant Classification Scheme 2023. Collection method: clinical testing. Allele origin: germline.
Comment: The p.R406W pathogenic mutation (also known as c.1216C>T), located in coding exon 6 of the DES gene, results from a C to T substitution at nucleotide position 1216. The arginine at codon 406 is replaced by tryptophan, an amino acid with dissimilar properties. This variant was reported in individual(s) with features consistent with DES-related myopathy; in at least one individual, it was determined to be de novo (Punetha J et al. J Neuromuscul Dis, 2016 May;3:209-225; Herrmann H et al. Circulation, 2020 Dec;142:2155-2171; Chen Z et al. ESC Heart Fail, 2021 Dec;8:5560-5564; Arbustini E et al. Eur Heart J, 2022 Jul;43:2638-2639; Silva AMS et al. J Neuropathol Exp Neurol, 2022 Aug;81:746-757; Takegami N et al. Intern Med, 2023 Oct;62:2883-2887; Xiao H et al. Heliyon, 2024 Feb;10:e25009). In multiple assays testing DES function, this variant showed functionally abnormal results (Chourbagi O et al. Exp Cell Res, 2011 Apr;317:886-97; Kub&aacute;nek M et al. J Clin Med, 2020 Mar;9:[ePub ahead of print]; Hakibilen C et al. Front Cell Dev Biol, 2022 Mar;10:783724). This variant is considered to be rare based on population cohorts in the Genome Aggregation Database (gnomAD). This amino acid position is highly conserved in available vertebrate species. In addition, this alteration is predicted to be deleterious by in silico analysis. Based on the supporting evidence, this variant is interpreted as a disease-causing mutation.

Clinical Omics and Informatics (COIN) Unit, Neuroscience Institute, University Of Cape Town
Classification: Pathogenic for Desmin-related myofibrillar myopathy. Last evaluated: 2024-05-22. Review status: criteria provided, single submitter. Criteria: ACMG Guidelines, 2015. Collection method: research. Allele origin: germline. Inheritance: Autosomal dominant inheritance. Affected: yes. Observed: 1 variant allele, 1 heterozygote.
Comment: PM2_supporting: This variant is absent from gnomAD v4.0 (adequate coverage >20x confirmed). PP3_moderate: REVEL score is 0.807. PM1 met: This variant occurs in exon 6 which encodes the C-terminal half of the coil 2 domain. Although disease-causing mutations spread over the entire desmin gene, they significantly cluster in exon 6. PS3_Supporting: functional studies provide supportive evidence that this variant has a damaging effect on the gene or gene product PS2_Moderate: Max 1 point awarded for 2 probands with de novo observations (paternity confirmed) and phenotype consistent with gene but not highly specific and high genetic heterogeneity. PS4 met: >=10 unrelated probands with consistent phenotype for disorder. Sequencing funded by the International Centre for Genomic Medicine in Neuromuscular Diseases (ICGNMD).

GeneDx
Classification: Pathogenic. Last evaluated: 2023-04-12. Review status: criteria provided, single submitter. Criteria: GeneDx Variant Classification Process June 2021. Collection method: clinical testing. Allele origin: germline. Affected: yes.
Comment: Not observed at significant frequency in large population cohorts (gnomAD); Published functional studies demonstrate abnormal filament assembly, in addition to microscopic analysis of cardiac and skeletal muscle revealing desmin-positive protein aggregates (Park et al., 2000; Chourbagi et al., 2011; Herrmann et al., 2020; Kubnek et al., 2020); In silico analysis supports that this missense variant has a deleterious effect on protein structure/function; This variant is associated with the following publications: (PMID: 10717012, 35653365, 35626289, 35239206, 26807690, 10905661, 14991347, 27854218, 33673806, 32528171, 34712946, 32235386, 21262226, 33023321, 16376610)

Molecular Genetics, Royal Melbourne Hospital
Classification: Pathogenic for Arrhythmogenic right ventricular cardiomyopathy. Last evaluated: 2023-03-30. Review status: criteria provided, single submitter. Criteria: ACMG Guidelines, 2015. Collection method: clinical testing. Allele origin: germline. Affected: yes.
Comment: This sequence change in DES is predicted to replace arginine with tryptophan at codon 406, p.(Arg406Trp). The arginine residue is highly conserved (100 vertebrates, UCSC), and is located in the intermediate filament rod domain. There is a large physicochemical difference between arginine and tryptophan. This variant is absent from gnomAD v2.1 and v3.1. This variant is frequently de novo, and has been identified as a de novo occurrence with confirmed parental relationships in at least four individuals with a severe and early-onset cardiomyopathy with/without myopathy. All reported individuals had muscle biopsy features consistent with a desmin myopathy (PMID: 10717012, 10905661, 14991347). A knock-in mouse-model of the orthologous variant developed a phenotype consistent with desmin myopathy, including desmin-positive protein aggregate pathology in skeletal muscle tissue (PMID: 33023321). Multiple lines of computational evidence predict a deleterious effect for the missense substitution (5/6 algorithms). Based on the classification scheme RMH Modified ACMG Guidelines v1.4.0, this variant is classified as PATHOGENIC. Following criteria are met: PS2_VeryStrong, PS3, PM2_Supporting, PP3.

Blueprint Genetics
Classification: Pathogenic for DES-related disorders. Last evaluated: 2022-02-15. Review status: criteria provided, single submitter. Criteria: ACMG Guidelines, 2015. Collection method: clinical testing. Allele origin: germline. Affected: yes. Observed: 2 variant alleles.

CHEO Genetics Diagnostic Laboratory, Children's Hospital of Eastern Ontario
Classification: Pathogenic for Cardiomyopathy. Last evaluated: 2020-09-04. Review status: criteria provided, single submitter. Criteria: ACMG Guidelines, 2015. Collection method: clinical testing. Allele origin: germline.

Institute of Human Genetics Munich, TUM University Hospital
Classification: Pathogenic for Desmin-related myofibrillar myopathy. Last evaluated: 2018-08-20. Review status: criteria provided, single submitter. Criteria: Classification criteria August 2017. Collection method: clinical testing. Allele origin: de novo. Inheritance: Autosomal dominant inheritance. Affected: yes. Observed: 1 heterozygote.

Eurofins Ntd Llc (ga)
Classification: Pathogenic. Last evaluated: 2016-04-28. Review status: criteria provided, single submitter. Criteria: EGL Classification Definitions 2015. Collection method: clinical testing. Allele origin: germline. Observed: 3 variant alleles, 3 heterozygotes.

Center for Genetic Medicine Research, Children's National Medical Center
Classification: Likely pathogenic for Desmin-related myofibrillar myopathy. Last evaluated: 2015-12-01. Review status: criteria provided, single submitter. Criteria: Punetha et al. (J Neuromuscul Dis. 2016). Collection method: research. Allele origin: unknown. Affected: yes.

NM_001927.4(DES):c.1216C>T (p.Arg406Trp)

Gene: DES (desmin; plus strand). Cytogenetic location: 2q35.
Variant type: single nucleotide variant.
Coding change: c.1216C>T on transcript NM_001927.4 (MANE Select); coding-DNA position 1216, C replaced by T.
Protein change: p.Arg406Trp; replaces arginine 406 with tryptophan.
Molecular consequence: missense variant.
Genome position (GRCh38, 1-based): chr2:219,421,532, C>T. VCF-style: chr2-219421532-C-T. GRCh37 (hg19) VCF-style: chr2-220286254-C-T.
Other names: p.R406W:CGG>TGG; short protein forms R406W.
Identifiers: ClinVar variation 16826 (VCV000016826.36), dbSNP rs121913003, ClinGen allele CA257646.